The following continues an entry in ClinVar:

NM_000138.5(FBN1):c.4270C>G (p.Pro1424Ala)

ClinVar aggregate classification (germline): Conflicting classifications of pathogenicity. Uncertain significance (11); Benign (6); Likely benign (6).

Submissions 9 to 26 of 26:

All of Us Research Program, National Institutes of Health
Classification: Uncertain significance for Marfan syndrome. Last evaluated: 2024-02-05. Review status: criteria provided, single submitter. Criteria: ACMG Guidelines, 2015. Collection method: clinical testing. Allele origin: germline. Inheritance: Autosomal dominant inheritance. Observed: 63 variant alleles, 63 heterozygotes.
Comment: This missense variant replaces proline with alanine at codon 1424 of the FBN1 protein. Computational prediction suggests that this variant may have deleterious impact on protein structure and function (internally defined REVEL score threshold >= 0.7, PMID: 27666373). To our knowledge, functional studies have not been reported for this variant. This variant has been reported in multiple individuals affected with Marfan syndrome or other FBN1-related conditions (PMID: 9399842, 11748851, 14695540, 17657824, 17627385, 19293843, 23506379, 25812041). This variant has been found in an individual with isolated aortic aneurysms but the variant did not segregate with the phenotype in the family (PMID: 26621581). This variant has been identified in 57/282832 chromosomes in the general population by the Genome Aggregation Database (gnomAD). The available evidence is insufficient to determine the role of this variant in disease conclusively. Therefore, this variant is classified as a Variant of Uncertain Significance.

This study involves interpretation of variants in research participants for the purpose of population health screening. Participant phenotype was not available at the time of variant classification. Additional details can be found in publication PMID: 35346344, PMCID: PMC8962531

Revvity Omics, Revvity
Classification: Uncertain significance. Last evaluated: 2022-03-23. Review status: criteria provided, single submitter. Criteria: ACMG Guidelines, 2015. Collection method: clinical testing. Allele origin: germline.

Center for Genomics, Ann and Robert H. Lurie Children's Hospital of Chicago
Classification: Benign for Marfan syndrome. Last evaluated: 2022-03-07. Review status: criteria provided, single submitter. Criteria: ACMG Guidelines, 2015. Collection method: clinical testing. Allele origin: germline.
Comment: This variant has been reported in the literature in several individuals with a clinical suspicion or diagnosis of Marfan syndrome (Selected publications: Comeglio 2001 PMID: 11748851, Comeglio 2007 PMID: 17657824, Stheneur 2009 PMID: 19293843, Arnaud 2017 PMID: 27582083). This variant is present in gnomAD (Highest reported MAF: 0.2% [31/15280]) and in ClinVar (Variation ID:42355). Evolutionary conservation and computational predictive tools suggest that this variant may impact the protein. Of note, a different variant at the same amino acid position (p.Pro1424Ser) has been previously reported in association with disease (Arbustini 2005 PMID: 16222657; Piqueras-Flores 2019 PMID: 31053375). However, because of this variant's high frequency in the general population, this variant is classified as benign.

Center for Genomics, Ann and Robert H. Lurie Children's Hospital of Chicago
Classification: Uncertain significance for Geleophysic dysplasia 2; Weill-Marchesani syndrome 2, dominant; Ectopia lentis 1, isolated, autosomal dominant; MASS syndrome; Progeroid and marfanoid aspect-lipodystrophy syndrome; Acromicric dysplasia; Marfan syndrome; Stiff skin syndrome. Last evaluated: 2022-01-25. Review status: criteria provided, single submitter. Criteria: ACMG Guidelines, 2015. Collection method: clinical testing. Allele origin: germline.
Comment: This variant has been reported in the literature in at least 11 individuals with a clinical suspicion or diagnosis of Marfan syndrome, two of whom were reported as compound heterozygotes (Collod-Beroud 1998 PMID:9399842, Comeglio 2001 PMID:11748851, Biggin 2004 PMID:14695540, Comeglio 2007 PMID:17657824, Howarth 2007 PMID:17627385, Stheneur 2009 PMID:19293843, Turner 2009 PMID:19161152, Callier 2013 PMID:23506379, Arnaud 2017 PMID:27582083, Mattessi 2018 PMID:28655553). This variant is present in 0.2% (31/15280) of Latino alleles in the Genome Aggregation Database. Of note, the frequency of this variant is inconsistent with the expected incidence of this condition and several entries in ClinVar have noted this information in their classification (Variation ID:42355). Evolutionary conservation and computational predictive tools suggest that this variant may impact the protein. A Likely Pathogenic variant at the same amino acid position (p.Pro1424Ser) has been previously reported (Arbustini 2005 PMID:16222657; Piqueras-Flores 2019 PMID:31053375). In summary, data on this variant is insufficient for disease classification. Therefore, the clinical significance of this variant is uncertain.

Illumina Laboratory Services, Illumina
Classification: Benign for Weill-Marchesani syndrome. Last evaluated: 2019-06-17. Review status: criteria provided, single submitter. Criteria: ICSL Variant Classification Criteria 13 December 2019. Collection method: clinical testing. Allele origin: germline.
Comment: This variant was observed as part of a predisposition screen in an ostensibly healthy population. A literature search was performed for the gene, cDNA change, and amino acid change (where applicable). No publications were found based on this search. Allele frequency data from public databases was too high to be consistent with this variant causing disease. Therefore, this variant is classified as benign.

Illumina Laboratory Services, Illumina
Classification: Benign for Stiff skin syndrome. Last evaluated: 2019-06-17. Review status: criteria provided, single submitter. Criteria: ICSL Variant Classification Criteria 13 December 2019. Collection method: clinical testing. Allele origin: germline.
Comment: the same text as in the submission from Illumina Laboratory Services, Illumina above.

Illumina Laboratory Services, Illumina
Classification: Benign for Geleophysic dysplasia. Last evaluated: 2019-06-17. Review status: criteria provided, single submitter. Criteria: ICSL Variant Classification Criteria 13 December 2019. Collection method: clinical testing. Allele origin: germline.
Comment: the same text as in the submission from Illumina Laboratory Services, Illumina above.

Illumina Laboratory Services, Illumina
Classification: Benign for Acromicric dysplasia. Last evaluated: 2019-06-17. Review status: criteria provided, single submitter. Criteria: ICSL Variant Classification Criteria 13 December 2019. Collection method: clinical testing. Allele origin: germline.
Comment: the same text as in the submission from Illumina Laboratory Services, Illumina above.

Illumina Laboratory Services, Illumina
Classification: Benign for Ectopia lentis 1, isolated, autosomal dominant. Last evaluated: 2019-06-17. Review status: criteria provided, single submitter. Criteria: ICSL Variant Classification Criteria 13 December 2019. Collection method: clinical testing. Allele origin: germline.
Comment: the same text as in the submission from Illumina Laboratory Services, Illumina above.

Illumina Laboratory Services, Illumina
Classification: Uncertain significance for Marfan syndrome. Last evaluated: 2019-06-17. Review status: criteria provided, single submitter. Criteria: ICSL Variant Classification Criteria 13 December 2019. Collection method: clinical testing. Allele origin: germline.
Comment: This variant was observed as part of a predisposition screen in an ostensibly healthy population. A literature search was performed for the gene, cDNA change, and amino acid change (where applicable). Publications were found based on this search. However, the evidence from the literature, in combination with allele frequency data from public databases where available, was not sufficient to rule this variant in or out of causing disease. Therefore, this variant is classified as a variant of unknown significance.

Illumina Laboratory Services, Illumina
Classification: Uncertain significance for Familial thoracic aortic aneurysm and aortic dissection. Last evaluated: 2019-06-17. Review status: criteria provided, single submitter. Criteria: ICSL Variant Classification Criteria 13 December 2019. Collection method: clinical testing. Allele origin: germline.

Mendelics
Classification: Uncertain significance for Marfan syndrome. Last evaluated: 2019-05-28. Review status: criteria provided, single submitter. Criteria: Mendelics Assertion Criteria 2017. Collection method: clinical testing. Allele origin: unknown.

Fulgent Genetics
Classification: Uncertain significance for Acromicric dysplasia; Ectopia lentis 1, isolated, autosomal dominant; Marfan syndrome; Stiff skin syndrome; MASS syndrome; Weill-Marchesani syndrome 2, dominant; Geleophysic dysplasia 2; Progeroid and marfanoid aspect-lipodystrophy syndrome. Last evaluated: 2018-10-31. Review status: criteria provided, single submitter. Criteria: ACMG Guidelines, 2015. Collection method: clinical testing. Allele origin: unknown.

Eurofins Ntd Llc (ga)
Classification: Uncertain significance. Last evaluated: 2016-10-20. Review status: criteria provided, single submitter. Criteria: EGL Classification Definitions 2015. Collection method: clinical testing. Allele origin: germline. Observed: 1 variant allele, 1 heterozygote.

Laboratory for Molecular Medicine, Mass General Brigham Personalized Medicine
Classification: Uncertain significance. Last evaluated: 2013-10-21. Review status: criteria provided, single submitter. Criteria: LMM Criteria. Collection method: clinical testing. Allele origin: germline. Observed: 2 variant alleles.
Comment: The Pro1424Ala missense variant in the FBN1 gene has previously been identified in at least two individuals with clinical features of Marfan syndrome (Collod-Be roud 1998, Comeglio 2001, Biggin 2004). Furthermore, a different variant at this position (Pro1424Ser) has also been reported in one other individual with clini cal features of Marfan syndrome (Arbustini, 2005). However, the Pro1424Ala varia nt was also detected in 0.05% (4/8592) European American chromosomes from a broa d population screened by the NHLBI Exome Sequencing Project (dbSNP rs201273753). Computational analyses (biochemical amino acid pr operties, conservation, AlignGVGD, PolyPhen2, and SIFT) do not provide strong su pport for or against an impact to the protein. While the Pro1424Ala variant has been seen in several individuals with clinical features of Marfan syndrome, it h as also been seen at a low frequency in the general population. In summary, addi tional information is needed to assess the clinical significance of this variant .

Center for Medical Genetics Ghent, University of Ghent
Classification: Uncertain significance for Marfan syndrome. Last evaluated: 2017-11-07. Review status: no assertion criteria provided. Collection method: clinical testing. Allele origin: germline. Affected: yes. Not counted in ClinVar's aggregate classification.

University of Washington Center for Mendelian Genomics, University of Washington
Classification: Uncertain significance for Familial thoracic aortic aneurysms; Acute aortic dissections. Last evaluated: 2016-01-20. Review status: no assertion criteria provided. Collection method: research. Allele origin: unknown. Affected: yes. Not counted in ClinVar's aggregate classification.

CSER _CC_NCGL, University of Washington
Classification: Uncertain significance for Marfan syndrome. Last evaluated: 2014-06-01. Review status: no assertion criteria provided. Collection method: research. Allele origin: germline. Inheritance: Autosomal dominant inheritance. Study: ESP 6500 variant annotation. Not counted in ClinVar's aggregate classification.
Comment: Variants classified for the Actionable exomic incidental findings in 6503 participants: challenges of variant classification manuscript

Literature cited by the submitters: PubMed 11748851 (cited by Women's Health and Genetics/Laboratory Corporation of America, LabCorp and All of Us Research Program, National Institutes of Health); PubMed 14695540 (cited by 4 submitters); PubMed 12938084 (cited by Women's Health and Genetics/Laboratory Corporation of America, LabCorp); PubMed 17657824 (cited by 3 submitters); PubMed 17627385 (cited by 3 submitters); PubMed 19161152 (cited by Women's Health and Genetics/Laboratory Corporation of America, LabCorp and Illumina Laboratory Services, Illumina); PubMed 9399842 (cited by 4 submitters); PubMed 19293843 (cited by 3 submitters); PubMed 23506379 (cited by Women's Health and Genetics/Laboratory Corporation of America, LabCorp and All of Us Research Program, National Institutes of Health); PubMed 24941995 (cited by Women's Health and Genetics/Laboratory Corporation of America, LabCorp and Illumina Laboratory Services, Illumina); PubMed 25637381 (cited by Women's Health and Genetics/Laboratory Corporation of America, LabCorp); PubMed 26621581 (cited by 4 submitters); PubMed 27153395 (cited by Women's Health and Genetics/Laboratory Corporation of America, LabCorp); PubMed 26787436 (cited by Women's Health and Genetics/Laboratory Corporation of America, LabCorp); PubMed 25812041 (cited by All of Us Research Program, National Institutes of Health and Illumina Laboratory Services, Illumina); PubMed 27582083 (cited by All of Us Research Program, National Institutes of Health and Illumina Laboratory Services, Illumina); PubMed 11524736 (cited by Illumina Laboratory Services, Illumina and Laboratory for Molecular Medicine, Mass General Brigham Personalized Medicine); PubMed 16222657 (cited by Laboratory for Molecular Medicine, Mass General Brigham Personalized Medicine).